The following is an entry in ClinVar:

ClinVar aggregate classification (germline): Likely benign. Review status: criteria provided, multiple submitters, no conflicts (2 of 4 stars). 6 submissions from 6 submitters: Likely benign (3). 3 of the submissions do not count toward it. Last evaluated 2024-10-22.

Conditions:
DTNA-related disorder. Also called: DTNA-related condition.

Allele frequency attached by ClinVar (database versions not stated): TOPMed 0.00033; gnomAD exomes 0.00041 and 0.00056; gnomAD 0.00052 and 0.00058.
gnomAD v4.1: 845 of 1,527,340 alleles (0.055%); highest among the groups gnomAD compares: Admixed American, 0.085%; 2 homozygotes.

Submissions (6):

Blueprint Genetics
Classification: Likely benign. Last evaluated: 2024-10-22. Review status: criteria provided, single submitter. Criteria: ACMG Guidelines, 2015. Collection method: clinical testing. Allele origin: germline.

GeneDx
Classification: Likely benign. Last evaluated: 2015-10-29. Review status: criteria provided, single submitter. Criteria: GeneDx Variant Classification (06012015). Collection method: clinical testing. Allele origin: germline. Affected: yes.
Comment: This variant is considered likely benign or benign based on one or more of the following criteria: it is a conservative change, it occurs at a poorly conserved position in the protein, it is predicted to be benign by multiple in silico algorithms, and/or has population frequency not consistent with disease.

Breakthrough Genomics
Classification: Likely benign. Review status: criteria provided, single submitter. Criteria: ACMG Guidelines, 2015. Collection method: not provided. Allele origin: germline. Inheritance: Autosomal dominant inheritance. Affected: yes.

PreventionGenetics, part of Exact Sciences
Classification: Likely benign for DTNA-related condition. Last evaluated: 2024-08-10. Review status: no assertion criteria provided. Collection method: clinical testing. Allele origin: germline. Not counted in ClinVar's aggregate classification.
Comment: This variant is classified as likely benign based on ACMG/AMP sequence variant interpretation guidelines (Richards et al. 2015 PMID: 25741868, with internal and published modifications).

Diagnostic Laboratory, Department of Genetics, University Medical Center Groningen
Classification: Likely benign. Review status: no assertion criteria provided. Collection method: clinical testing. Allele origin: germline. Affected: yes. Study: VKGL Data-share Consensus. Not counted in ClinVar's aggregate classification.

Joint Genome Diagnostic Labs from Nijmegen and Maastricht, Radboudumc and MUMC+
Classification: Likely benign. Review status: no assertion criteria provided. Collection method: clinical testing. Allele origin: germline. Affected: yes. Study: VKGL Data-share Consensus. Not counted in ClinVar's aggregate classification.

NM_001386795.1(DTNA):c.1149C>T (p.Tyr383=)

Gene: DTNA (dystrobrevin alpha; plus strand). Cytogenetic location: 18q12.1.
Variant type: single nucleotide variant.
Coding change: c.1149C>T on transcript NM_001386795.1 (MANE Select); coding-DNA position 1149, C replaced by T.
Protein change: p.Tyr383=; no amino-acid change (tyrosine 383 retained).
Molecular consequence: synonymous variant. On other transcripts: intron variant (27).
Genome position (GRCh38, 1-based): chr18:34,829,463, C>T. VCF-style: chr18-34829463-C-T. GRCh37 (hg19) VCF-style: chr18-32409427-C-T.
Other names: c.195C>T, p.Tyr65= (NM_001198942.1, NM_001198944.1); c.1149C>T, p.Tyr383= (NM_001386754.1, NM_001386755.1, NM_001386756.1 and 6 more transcripts); c.1094+1787C>T (NM_032975.4, NM_001386761.1, NM_001386762.1 and 3 more transcripts); c.1085+1787C>T (NM_001386763.1, NM_001386764.1, NM_001386768.1 and 14 more transcripts); c.603+17350C>T (NM_001198945.2); c.335+1787C>T (NM_001198943.1); c.131+1787C>T (NM_032980.4, NM_032981.5).
Identifiers: ClinVar variation 381021 (VCV000381021.9), dbSNP rs559493183, ClinGen allele CA16607930.